The following is an entry in ClinVar:

NM_001606.5(ABCA2):c.3081C>T (p.Asn1027=)

Gene: ABCA2 (ATP binding cassette subfamily A member 2; minus strand). Cytogenetic location: 9q34.3.
Variant type: single nucleotide variant.
Coding change: c.3081C>T on transcript NM_001606.5 (MANE Select); coding-DNA position 3081, C replaced by T.
Protein change: p.Asn1027=; no amino-acid change (asparagine 1027 retained).
Molecular consequence: synonymous variant.
Genome position (GRCh38, 1-based): chr9:137,016,314, G>A on the plus strand (C>T on the coding strand, the complement: ABCA2 is on the minus strand). VCF-style: chr9-137016314-G-A. GRCh37 (hg19) VCF-style: chr9-139910766-G-A.
Other names: c.3078C>T, p.Asn1026= (NM_001411042.1); c.3171C>T, p.Asn1057= (NM_212533.3).
Identifiers: ClinVar variation 3052621 (VCV003052621.3), dbSNP rs199660705, ClinGen allele CA5354899.
Genomic context (GRCh38, chr9:137,016,314, plus strand): 5'-CAGCAGATGCCCACCGCCCTGCCCCTCCGACACTCACATGGTGGTGGTCTTGCCCGCCCC[G>A]TTGTGGCCCAAGAAGGAGACCACCTGGTTCTCGTAGAGGTTCAGGCTCAGCTTGTTCAGG-3'
Protein context (NP_001597.2, residues 1017-1037): ENQVVSFLGH[Asn1027=]GAGKTTTMSI

ClinVar aggregate classification (germline): Likely benign. Review status: criteria provided, single submitter (1 of 4 stars). 2 submissions from 2 submitters: Likely benign (1). 1 of the submissions does not count toward it. Last evaluated 2024-07-15.

Conditions:
ABCA2-related disorder. Also called: ABCA2-related condition.

Allele frequency attached by ClinVar (database versions not stated): ExAC 0.00018; gnomAD 0.00040; TOPMed 0.00043; ESP Exome Variant Server 0.00047; 1000 Genomes Project 30x 0.00078; 1000 Genomes Project 0.00100.

Submissions (2):

Blueprint Genetics
Classification: Likely benign. Last evaluated: 2024-07-15. Review status: criteria provided, single submitter. Criteria: ACMG Guidelines, 2015. Collection method: clinical testing. Allele origin: germline.

PreventionGenetics, part of Exact Sciences
Classification: Likely benign for ABCA2-related condition. Last evaluated: 2019-08-29. Review status: no assertion criteria provided. Collection method: clinical testing. Allele origin: germline. Not counted in ClinVar's aggregate classification.
Comment: This variant is classified as likely benign based on ACMG/AMP sequence variant interpretation guidelines (Richards et al. 2015 PMID: 25741868, with internal and published modifications).